The following is an entry in ClinVar:

ClinVar aggregate classification (germline): Pathogenic. Review status: reviewed by expert panel (3 of 4 stars). 3 submissions from 3 submitters: Pathogenic (1). 2 of the submissions do not count toward it. Last evaluated 2016-10-18.

Conditions:
Hereditary breast ovarian cancer syndrome. Also called: Hereditary breast and ovarian cancer; Hereditary breast and ovarian cancer syndrome (HBOC); Hereditary breast and/or ovarian cancer syndrome; Breast and ovarian cancer; Hereditary breast and ovarian cancer syndrome; BRCA1- and BRCA2-Associated Hereditary Breast and Ovarian Cancer. Identifiers: Orphanet 145, MedGen C0677776, MeSH D061325, MONDO:0003582. Disease mechanism: loss of function.
Breast-ovarian cancer, familial, susceptibility to, 2 (BROVCA2). Also called: BRCA2 Hereditary Breast and Ovarian Cancer. Identifiers: Orphanet 145, MedGen C2675520, MONDO:0012933, OMIM 612555. Disease mechanism: loss of function.

Allele frequency attached by ClinVar (database versions not stated): gnomAD exomes below 0.00001.
gnomAD v4.1: 2 of 1,614,032 alleles (0.00012%); highest among the groups gnomAD compares: Non-Finnish European, 0.00017%; no homozygotes.

Submissions (3):

Evidence-based Network for the Interpretation of Germline Mutant Alleles (ENIGMA)
Classification: Pathogenic for Breast-ovarian cancer, familial, susceptibility to, 2. Last evaluated: 2016-10-18. Review status: reviewed by expert panel. Criteria: ENIGMA BRCA1/2 Classification Criteria (2015). Collection method: curation. Allele origin: germline.
Comment: Variant allele predicted to encode a truncated non-functional protein.

Labcorp Genetics (formerly Invitae), Labcorp
Classification: Pathogenic for Hereditary breast ovarian cancer syndrome. Last evaluated: 2025-10-06. Review status: criteria provided, single submitter. Criteria: Invitae Variant Classification Sherloc (09022015). Collection method: clinical testing. Allele origin: germline. Not counted in ClinVar's aggregate classification.
Comment: This sequence change creates a premature translational stop signal (p.Gln713*) in the BRCA2 gene. It is expected to result in an absent or disrupted protein product. Loss-of-function variants in BRCA2 are known to be pathogenic (PMID: 20104584). This variant is not present in population databases (gnomAD no frequency). This premature translational stop signal has been observed in individual(s) with hereditary breast and/or ovarian cancer (PMID: 29446198). ClinVar contains an entry for this variant (Variation ID: 266680). For these reasons, this variant has been classified as Pathogenic.

Consortium of Investigators of Modifiers of BRCA1/2 (CIMBA), c/o University of Cambridge
Classification: Pathogenic for Breast-ovarian cancer, familial, susceptibility to, 2. Last evaluated: 2015-10-02. Review status: criteria provided, single submitter. Criteria: CIMBA Mutation Classification guidelines May 2016. Collection method: clinical testing. Allele origin: germline. Not counted in ClinVar's aggregate classification.

Literature cited by the submitters: PubMed 20104584 (cited by Labcorp Genetics (formerly Invitae), Labcorp); PubMed 29446198 (cited by Labcorp Genetics (formerly Invitae), Labcorp).

NM_000059.4(BRCA2):c.2137C>T (p.Gln713Ter)

Gene: BRCA2 (BRCA2 DNA repair associated; plus strand). Cytogenetic location: 13q13.1.
Variant type: single nucleotide variant.
Coding change: c.2137C>T on transcript NM_000059.4 (MANE Select); coding-DNA position 2137, C replaced by T.
Protein change: p.Gln713Ter; replaces glutamine 713 with a stop codon.
Molecular consequence: nonsense.
Genome position (GRCh38, 1-based): chr13:32,336,492, C>T. VCF-style: chr13-32336492-C-T. GRCh37 (hg19) VCF-style: chr13-32910629-C-T.
Other names: 2365 C>T; short protein forms Q713*.
Identifiers: ClinVar variation 266680 (VCV000266680.13), dbSNP rs886040407, ClinGen allele CA10589137.